The following is an entry in ClinVar:

NM_001242882.2(NAXD):c.394G>A (p.Val132Ile)

Gene: NAXD (NAD(P)HX dehydratase; plus strand). Cytogenetic location: 13q34.
Variant type: single nucleotide variant.
Coding change: c.394G>A on transcript NM_001242882.2 (MANE Select); coding-DNA position 394, G replaced by A.
Protein change: p.Val132Ile; replaces valine 132 with isoleucine.
Molecular consequence: missense variant. On other transcripts: non-coding transcript variant (2).
Genome position (GRCh38, 1-based): chr13:110,627,500, G>A. VCF-style: chr13-110627500-G-A. GRCh37 (hg19) VCF-style: chr13-111279847-G-A.
Other names: c.448G>A, p.Val150Ile (NM_001242881.2, NM_018210.4); c.118G>A, p.Val40Ile (NM_001242883.2); short protein forms V150I, V40I, V132I.
Identifiers: ClinVar variation 2071575 (VCV002071575.3), dbSNP rs41306678, ClinGen allele CA7051179.

ClinVar aggregate classification (germline): Uncertain significance (1 of 4 stars; one submission).

Allele frequency attached by ClinVar (database versions not stated): ExAC 0.00018; gnomAD 0.00018; TOPMed 0.00019; 1000 Genomes Project 30x 0.00031; ESP Exome Variant Server 0.00038.
gnomAD v4.1: 343 of 1,614,060 alleles (0.021%); highest among the groups gnomAD compares: Non-Finnish European, 0.027%; no homozygotes.

Submission:

Labcorp Genetics (formerly Invitae), Labcorp
Classification: Uncertain significance. Last evaluated: 2025-12-31. Review status: criteria provided, single submitter. Criteria: Invitae Variant Classification Sherloc (09022015). Collection method: clinical testing. Allele origin: germline.
Comment: This sequence change replaces valine, which is neutral and non-polar, with isoleucine, which is neutral and non-polar, at codon 150 of the NAXD protein (p.Val150Ile). This variant is present in population databases (rs41306678, gnomAD 0.04%). This variant has not been reported in the literature in individuals affected with NAXD-related conditions. ClinVar contains an entry for this variant (Variation ID: 2071575). Invitae Evidence Modeling of protein sequence and biophysical properties (such as structural, functional, and spatial information, amino acid conservation, physicochemical variation, residue mobility, and thermodynamic stability) indicates that this missense variant is not expected to disrupt NAXD protein function with a negative predictive value of 80%. In summary, the available evidence is currently insufficient to determine the role of this variant in disease. Therefore, it has been classified as a Variant of Uncertain Significance.